The following is an entry in ClinVar:

NM_016038.4(SBDS):c.688G>A (p.Gly230Ser)

Gene: SBDS (SBDS ribosome maturation factor; minus strand). Cytogenetic location: 7q11.21.
Variant type: single nucleotide variant.
Coding change: c.688G>A on transcript NM_016038.4 (MANE Select); coding-DNA position 688, G replaced by A.
Protein change: p.Gly230Ser; replaces glycine 230 with serine.
Molecular consequence: missense variant.
Genome position (GRCh38, 1-based): chr7:66,988,436, C>T on the plus strand (G>A on the coding strand, the complement: SBDS is on the minus strand). VCF-style: chr7-66988436-C-T. GRCh37 (hg19) VCF-style: chr7-66453423-C-T.
Other names: short protein forms G230S.
Identifiers: ClinVar variation 4630230 (VCV004630230.1).

ClinVar aggregate classification (germline): Uncertain significance (1 of 4 stars; one submission).

Conditions:
Inborn genetic diseases. Identifiers: MedGen C0950123, MeSH D030342.

Submission:

Ambry Genetics
Classification: Uncertain significance for Inborn genetic diseases. Last evaluated: 2025-10-28. Review status: criteria provided, single submitter. Criteria: Ambry Variant Classification Scheme 2023. Collection method: clinical testing. Allele origin: germline.
Comment: The p.G230S variant (also known as c.688G>A), located in coding exon 5 of the SBDS gene, results from a G to A substitution at nucleotide position 688. The glycine at codon 230 is replaced by serine, an amino acid with similar properties. This amino acid position is conserved. In addition, this alteration is predicted to be deleterious by in silico analysis. Based on the available evidence, the clinical significance of this variant remains unclear.